The following is an entry in ClinVar:

NM_004963.4(GUCY2C):c.564C>A (p.Ser188Arg)

Genes: GUCY2C (guanylate cyclase 2C; minus strand), GUCY2C-AS1 (GUCY2C antisense RNA 1; plus strand). Cytogenetic location: 12p12.3.
Variant type: single nucleotide variant.
Coding change: c.564C>A on transcript NM_004963.4 (MANE Select); coding-DNA position 564, C replaced by A.
Protein change: p.Ser188Arg; replaces serine 188 with arginine.
Molecular consequence: missense variant.
Genome position (GRCh38, 1-based): chr12:14,683,089, G>T on the plus strand (C>A on the coding strand, the complement: GUCY2C is on the minus strand). VCF-style: chr12-14683089-G-T. GRCh37 (hg19) VCF-style: chr12-14836023-G-T.
Other names: short protein forms S188R.
Identifiers: ClinVar variation 4763406 (VCV004763406.1).

ClinVar aggregate classification (germline): Uncertain significance (1 of 4 stars; one submission).

gnomAD v4.1: 2 of 1,613,506 alleles (0.00012%); highest among the groups gnomAD compares: African/African-American, 0.0027%; no homozygotes.

Submission:

Labcorp Genetics (formerly Invitae), Labcorp
Classification: Uncertain significance. Last evaluated: 2025-09-13. Review status: criteria provided, single submitter. Criteria: Invitae Variant Classification Sherloc (09022015). Collection method: clinical testing. Allele origin: germline.
Comment: This sequence change replaces serine, which is neutral and polar, with arginine, which is basic and polar, at codon 188 of the GUCY2C protein (p.Ser188Arg). This variant is not present in population databases (gnomAD no frequency). This variant has not been reported in the literature in individuals affected with GUCY2C-related conditions. Invitae Evidence Modeling of protein sequence and biophysical properties (such as structural, functional, and spatial information, amino acid conservation, physicochemical variation, residue mobility, and thermodynamic stability) indicates that this missense variant is not expected to disrupt GUCY2C protein function with a negative predictive value of 80%. In summary, the available evidence is currently insufficient to determine the role of this variant in disease. Therefore, it has been classified as a Variant of Uncertain Significance.